The following is an entry in ClinVar:

ClinVar aggregate classification (germline): Likely benign. Review status: criteria provided, multiple submitters, no conflicts (2 of 4 stars). 2 submissions from 2 submitters: Likely benign (2). Last evaluated 2026-02-04.

Conditions:
DOCK2 deficiency. Also called: Immunodeficiency 40. Identifiers: Orphanet 447737, MedGen C4225328, MONDO:0014637, OMIM 616433.
DOCK2-related disorder. Also called: DOCK2-related condition.

gnomAD v4.1: 14 of 1,613,764 alleles (0.00087%); highest among the groups gnomAD compares: African/African-American, 0.008%; no homozygotes.

Submissions (2):

PreventionGenetics, part of Exact Sciences
Classification: Likely benign for DOCK2-related condition. Last evaluated: 2026-02-04. Review status: criteria provided, single submitter. Criteria: ACMG Guidelines, 2015. Collection method: clinical testing. Allele origin: germline.
Comment: This variant is classified as likely benign based on ACMG/AMP sequence variant interpretation guidelines (Richards et al. 2015 PMID: 25741868, with internal and published modifications).

Labcorp Genetics (formerly Invitae), Labcorp
Classification: Likely benign for DOCK2 deficiency. Last evaluated: 2025-08-01. Review status: criteria provided, single submitter. Criteria: Invitae Variant Classification Sherloc (09022015). Collection method: clinical testing. Allele origin: germline.

NM_004946.3(DOCK2):c.1362G>A (p.Ala454=)

Gene: DOCK2 (dedicator of cytokinesis 2; plus strand). Cytogenetic location: 5q35.1.
Variant type: single nucleotide variant.
Coding change: c.1362G>A on transcript NM_004946.3 (MANE Select); coding-DNA position 1362, G replaced by A.
Protein change: p.Ala454=; no amino-acid change (alanine 454 retained).
Molecular consequence: synonymous variant. On other transcripts: non-coding transcript variant (1).
Genome position (GRCh38, 1-based): chr5:169,702,406, G>A. VCF-style: chr5-169702406-G-A. GRCh37 (hg19) VCF-style: chr5-169129410-G-A.
Other names: c.1362G>A (NM_004946.2).
Identifiers: ClinVar variation 4700806 (VCV004700806.2).